The following is an entry in ClinVar:

ClinVar aggregate classification (germline): Uncertain significance (1 of 4 stars; one submission).

Submission:

GeneDx
Classification: Uncertain significance. Last evaluated: 2019-07-10. Review status: criteria provided, single submitter. Criteria: GeneDx Variant Classification Process June 2021. Collection method: clinical testing. Allele origin: germline. Affected: yes.
Comment: Has not been previously published as pathogenic or benign to our knowledge; Not observed in large population cohorts (Lek et al., 2016); In silico analysis, which includes protein predictors and evolutionary conservation, supports that this variant does not alter protein structure/function

NM_000891.3(KCNJ2):c.346T>C (p.Ser116Pro)

Gene: KCNJ2 (potassium inwardly rectifying channel subfamily J member 2; plus strand). Cytogenetic location: 17q24.3.
Variant type: single nucleotide variant.
Coding change: c.346T>C on transcript NM_000891.3 (MANE Select); coding-DNA position 346, T replaced by C.
Protein change: p.Ser116Pro; replaces serine 116 with proline.
Molecular consequence: missense variant.
Genome position (GRCh38, 1-based): chr17:70,175,385, T>C. VCF-style: chr17-70175385-T-C. GRCh37 (hg19) VCF-style: chr17-68171526-T-C.
Other names: short protein forms S116P.
Identifiers: ClinVar variation 1302594 (VCV001302594.2), dbSNP rs2144376847, ClinGen allele CA400860396.